The following is an entry in ClinVar:

ClinVar aggregate classification (germline): Likely benign. Review status: criteria provided, multiple submitters, no conflicts (2 of 4 stars). 2 submissions from 2 submitters: Likely benign (2). Last evaluated 2025-12-19.

Conditions:
GLIS3-related disorder. Also called: GLIS3-related condition.

gnomAD v4.1: 31 of 1,614,020 alleles (0.0019%); highest among the groups gnomAD compares: African/African-American, 0.0053%; no homozygotes.

Submissions (2):

PreventionGenetics, part of Exact Sciences
Classification: Likely benign for GLIS3-related condition. Last evaluated: 2025-12-19. Review status: criteria provided, single submitter. Criteria: ACMG Guidelines, 2015. Collection method: clinical testing. Allele origin: germline.
Comment: This variant is classified as likely benign based on ACMG/AMP sequence variant interpretation guidelines (Richards et al. 2015 PMID: 25741868, with internal and published modifications).

Labcorp Genetics (formerly Invitae), Labcorp
Classification: Likely benign. Last evaluated: 2025-11-19. Review status: criteria provided, single submitter. Criteria: Invitae Variant Classification Sherloc (09022015). Collection method: clinical testing. Allele origin: germline.

NM_001042413.2(GLIS3):c.2517C>T (p.Pro839=)

Gene: GLIS3 (GLIS family zinc finger 3; minus strand). Cytogenetic location: 9p24.2.
Variant type: single nucleotide variant.
Coding change: c.2517C>T on transcript NM_001042413.2 (MANE Select); coding-DNA position 2517, C replaced by T.
Protein change: p.Pro839=; no amino-acid change (proline 839 retained).
Molecular consequence: synonymous variant.
Genome position (GRCh38, 1-based): chr9:3,829,449, G>A on the plus strand (C>T on the coding strand, the complement: GLIS3 is on the minus strand). VCF-style: chr9-3829449-G-A. GRCh37 (hg19) VCF-style: chr9-3829449-G-A.
Other names: c.2517C>T (NM_001042413.1); c.2052C>T, p.Pro684= (NM_152629.4).
Identifiers: ClinVar variation 3712173 (VCV003712173.3).
Genomic context (GRCh38, chr9:3,829,449, plus strand): 5'-GTCCTCAAACGAAGGCACCACACTGCAGGAGCTGACAGGCGGCACAATTCTCTGGGAATC[G>A]GGGTAGTGTGGGGGACAGAACTTCTGCAGCTGCCCATAAAATCCTGAAACGCAAGCATGG-3'
Protein context (NP_001035878.1, residues 829-849): QLQKFCPPHY[Pro839=]DSQRIVPPVS